The following is an entry in ClinVar:

ClinVar aggregate classification (germline): Uncertain significance (1 of 4 stars; one submission).

Allele frequency attached by ClinVar (database versions not stated): ExAC 0.00001; gnomAD exomes 0.00002; gnomAD 0.00004; TOPMed 0.00006; ESP Exome Variant Server 0.00008.
gnomAD v4.1: 38 of 1,613,086 alleles (0.0024%); highest among the groups gnomAD compares: African/African-American, 0.012%; no homozygotes.

Submission:

Labcorp Genetics (formerly Invitae), Labcorp
Classification: Uncertain significance. Last evaluated: 2024-05-01. Review status: criteria provided, single submitter. Criteria: Invitae Variant Classification Sherloc (09022015). Collection method: clinical testing. Allele origin: germline.
Comment: This sequence change replaces serine, which is neutral and polar, with leucine, which is neutral and non-polar, at codon 504 of the PITPNM3 protein (p.Ser504Leu). This variant is present in population databases (rs377404024, gnomAD 0.01%). This variant has not been reported in the literature in individuals affected with PITPNM3-related conditions. ClinVar contains an entry for this variant (Variation ID: 1053795). Algorithms developed to predict the effect of missense changes on protein structure and function output the following: SIFT: "Not Available"; PolyPhen-2: "Benign"; Align-GVGD: "Not Available". The leucine amino acid residue is found in multiple mammalian species, which suggests that this missense change does not adversely affect protein function. Algorithms developed to predict the effect of sequence changes on RNA splicing suggest that this variant may disrupt the consensus splice site. In summary, the available evidence is currently insufficient to determine the role of this variant in disease. Therefore, it has been classified as a Variant of Uncertain Significance.

NM_031220.4(PITPNM3):c.1511C>T (p.Ser504Leu)

Gene: PITPNM3 (PITPNM family member 3; minus strand). Cytogenetic location: 17p13.2.
Variant type: single nucleotide variant.
Coding change: c.1511C>T on transcript NM_031220.4 (MANE Select); coding-DNA position 1511, C replaced by T.
Protein change: p.Ser504Leu; replaces serine 504 with leucine.
Molecular consequence: missense variant.
Genome position (GRCh38, 1-based): chr17:6,471,274, G>A on the plus strand (C>T on the coding strand, the complement: PITPNM3 is on the minus strand). VCF-style: chr17-6471274-G-A. GRCh37 (hg19) VCF-style: chr17-6374594-G-A.
Other names: c.1403C>T, p.Ser468Leu (NM_001165966.2); short protein forms S468L, S504L.
Identifiers: ClinVar variation 1053795 (VCV001053795.7), dbSNP rs377404024, ClinGen allele CA8329485.